The following is an entry in ClinVar:

NM_020831.6(MRTFA):c.1220C>T (p.Pro407Leu)

Gene: MRTFA (myocardin related transcription factor A; minus strand). Cytogenetic location: 22q13.1.
Variant type: single nucleotide variant.
Coding change: c.1220C>T on transcript NM_020831.6 (MANE Select); coding-DNA position 1220, C replaced by T.
Protein change: p.Pro407Leu; replaces proline 407 with leucine.
Molecular consequence: missense variant.
Genome position (GRCh38, 1-based): chr22:40,420,538, G>A on the plus strand (C>T on the coding strand, the complement: MRTFA is on the minus strand). VCF-style: chr22-40420538-G-A. GRCh37 (hg19) VCF-style: chr22-40816542-G-A.
Other names: c.920C>T, p.Pro307Leu (NM_001282660.2); c.1070C>T, p.Pro357Leu (NM_001282661.3); c.1220C>T, p.Pro407Leu (NM_001282662.3); c.1025C>T, p.Pro342Leu (NM_001318139.2); c.920C>T (NM_020831.3); short protein forms P307L, P342L, P357L, P407L.
Identifiers: ClinVar variation 3002613 (VCV003002613.4), dbSNP rs1207114648, ClinGen allele CA411663617.

ClinVar aggregate classification (germline): Uncertain significance. Review status: criteria provided, multiple submitters, no conflicts (2 of 4 stars). 2 submissions from 2 submitters: Uncertain significance (2). Last evaluated 2025-11-11.

Allele frequency attached by ClinVar (database versions not stated): TOPMed 0.00001; gnomAD 0.00001.
gnomAD v4.1: 17 of 1,613,274 alleles (0.0011%); highest among the groups gnomAD compares: Admixed American, 0.0017%; no homozygotes.

Submissions (2):

Labcorp Genetics (formerly Invitae), Labcorp
Classification: Uncertain significance. Last evaluated: 2025-11-11. Review status: criteria provided, single submitter. Criteria: Invitae Variant Classification Sherloc (09022015). Collection method: clinical testing. Allele origin: germline.
Comment: This sequence change replaces proline, which is neutral and non-polar, with leucine, which is neutral and non-polar, at codon 307 of the MKL1 protein (p.Pro307Leu). This variant is present in population databases (no rsID available, gnomAD 0.003%). This variant has not been reported in the literature in individuals affected with MKL1-related conditions. ClinVar contains an entry for this variant (Variation ID: 3002613). An algorithm developed to predict the effect of missense changes on protein structure and function outputs the following: PolyPhen-2: "Benign". The leucine amino acid residue is found in multiple mammalian species, which suggests that this missense change does not adversely affect protein function. In summary, the available evidence is currently insufficient to determine the role of this variant in disease. Therefore, it has been classified as a Variant of Uncertain Significance.

Ambry Genetics
Classification: Uncertain significance. Last evaluated: 2025-10-18. Review status: criteria provided, single submitter. Criteria: Ambry Variant Classification Scheme 2023. Collection method: clinical testing. Allele origin: germline.